The following is an entry in ClinVar:

NM_139276.3(STAT3):c.792A>C (p.Glu264Asp)

Genes: STAT3 (signal transducer and activator of transcription 3; minus strand), LOC130060888 (ATAC-STARR-seq lymphoblastoid active region 12197; plus strand). Cytogenetic location: 17q21.2.
Variant type: single nucleotide variant.
Coding change: c.792A>C on transcript NM_139276.3 (MANE Select); coding-DNA position 792, A replaced by C.
Protein change: p.Glu264Asp; replaces glutamic acid 264 with aspartic acid.
Molecular consequence: missense variant.
Genome position (GRCh38, 1-based): chr17:42,337,440, T>G on the plus strand (A>C on the coding strand, the complement: STAT3 is on the minus strand). VCF-style: chr17-42337440-T-G. GRCh37 (hg19) VCF-style: chr17-40489458-T-G.
Other names: c.792A>C, p.Glu264Asp (NM_001369512.1, NM_001369513.1, NM_001369514.1 and 15 more transcripts); c.714A>C, p.Glu238Asp (NM_001384985.1); c.696A>C, p.Glu232Asp (NM_001384989.1); short protein forms E264D, E232D, E238D.
Identifiers: ClinVar variation 4793958 (VCV004793958.1).

ClinVar aggregate classification (germline): Uncertain significance (1 of 4 stars; one submission).

Conditions:
Hyper-IgE recurrent infection syndrome 1, autosomal dominant. Also called: JOB SYNDROME; Job's Syndrome; STAT3 Hyper IgE Syndrome; HYPER-IgE SYNDROME 1, AUTOSOMAL DOMINANT, WITH RECURRENT INFECTIONS; Hyper-IgE recurrent infection syndrome 1. Identifiers: Orphanet 2314, MedGen C2936739, MONDO:0007818, OMIM 147060.
STAT3 gain of function. Identifiers: MedGen C4288261.

Submission:

Labcorp Genetics (formerly Invitae), Labcorp
Classification: Uncertain significance for STAT3 gain of function; Hyper-IgE recurrent infection syndrome 1, autosomal dominant. Last evaluated: 2026-01-09. Review status: criteria provided, single submitter. Criteria: Invitae Variant Classification Sherloc (09022015). Collection method: clinical testing. Allele origin: germline.
Comment: This sequence change replaces glutamic acid, which is acidic and polar, with aspartic acid, which is acidic and polar, at codon 264 of the STAT3 protein (p.Glu264Asp). This variant is not present in population databases (gnomAD no frequency). This variant has not been reported in the literature in individuals affected with STAT3-related conditions. Invitae Evidence Modeling of protein sequence and biophysical properties (such as structural, functional, and spatial information, amino acid conservation, physicochemical variation, residue mobility, and thermodynamic stability) indicates that this missense variant is not expected to disrupt STAT3 protein function with a negative predictive value of 80%. In summary, the available evidence is currently insufficient to determine the role of this variant in disease. Therefore, it has been classified as a Variant of Uncertain Significance.